The following is an entry in ClinVar:

ClinVar aggregate classification (germline): Uncertain significance (1 of 4 stars; one submission).

Conditions:
Familial focal epilepsy with variable foci (FPEVF). Identifiers: Orphanet 98820, MedGen C1858477, MONDO:0020310.

Allele frequency attached by ClinVar (database versions not stated): gnomAD exomes 0.00001.
gnomAD v4.1: 11 of 1,614,176 alleles (0.00068%); highest among the groups gnomAD compares: Non-Finnish European, 0.00093%; no homozygotes.

Submission:

Labcorp Genetics (formerly Invitae), Labcorp
Classification: Uncertain significance for Familial focal epilepsy with variable foci. Last evaluated: 2023-10-09. Review status: criteria provided, single submitter. Criteria: Invitae Variant Classification Sherloc (09022015). Collection method: clinical testing. Allele origin: germline.
Comment: This sequence change replaces glutamine, which is neutral and polar, with arginine, which is basic and polar, at codon 566 of the DEPDC5 protein (p.Gln566Arg). This variant is not present in population databases (gnomAD no frequency). This variant has not been reported in the literature in individuals affected with DEPDC5-related conditions. Experimental studies and prediction algorithms are not available or were not evaluated, and the functional significance of this variant is currently unknown. In summary, the available evidence is currently insufficient to determine the role of this variant in disease. Therefore, it has been classified as a Variant of Uncertain Significance.

NM_001242896.3(DEPDC5):c.1697A>G (p.Gln566Arg)

Gene: DEPDC5 (DEP domain containing 5, GATOR1 subcomplex subunit; plus strand). Cytogenetic location: 22q12.3.
Variant type: single nucleotide variant.
Coding change: c.1697A>G on transcript NM_001242896.3 (MANE Select); coding-DNA position 1697, A replaced by G.
Protein change: p.Gln566Arg; replaces glutamine 566 with arginine.
Molecular consequence: missense variant. On other transcripts: non-coding transcript variant (5).
Genome position (GRCh38, 1-based): chr22:31,819,052, A>G. VCF-style: chr22-31819052-A-G. GRCh37 (hg19) VCF-style: chr22-32215038-A-G.
Other names: c.1697A>G, p.Gln566Arg (NM_001136029.4, NM_001242897.2, NM_001363852.2 and 6 more transcripts); c.1613A>G, p.Gln538Arg (NM_001369901.1, NM_001369902.1); short protein forms Q538R, Q566R.
Identifiers: ClinVar variation 3001829 (VCV003001829.3), dbSNP rs2519373923, ClinGen allele CA411280341.